The following is an entry in ClinVar:

NM_000038.6(APC):c.5970T>C (p.Thr1990=)

Gene: APC (APC regulator of Wnt signaling pathway; plus strand). Cytogenetic location: 5q22.2.
Variant type: single nucleotide variant.
Coding change: c.5970T>C on transcript NM_000038.6 (MANE Select); coding-DNA position 5970, T replaced by C.
Protein change: p.Thr1990=; no amino-acid change (threonine 1990 retained).
Molecular consequence: synonymous variant.
Genome position (GRCh38, 1-based): chr5:112,841,564, T>C. VCF-style: chr5-112841564-T-C. GRCh37 (hg19) VCF-style: chr5-112177261-T-C.
Other names: c.5970T>C, p.Thr1990= (NM_001127510.3, NM_001354895.2); c.5916T>C, p.Thr1972= (NM_001127511.3); c.6024T>C, p.Thr2008= (NM_001354896.2); c.6000T>C, p.Thr2000= (NM_001354897.2); c.5895T>C, p.Thr1965= (NM_001354898.2); c.5886T>C, p.Thr1962= (NM_001354899.2); c.5847T>C, p.Thr1949= (NM_001354900.2); c.5793T>C, p.Thr1931= (NM_001354901.2); and 6 more.
Identifiers: ClinVar variation 1540290 (VCV001540290.10), dbSNP rs2149953753, ClinGen allele CA446210096.

ClinVar aggregate classification (germline): Benign/Likely benign. Review status: criteria provided, multiple submitters, no conflicts (2 of 4 stars). 3 submissions from 3 submitters: Benign (1); Likely benign (2). Last evaluated 2025-05-24.

Conditions:
Hereditary cancer-predisposing syndrome. Also called: Hereditary Cancer Syndrome; Tumor predisposition; Neoplastic Syndromes, Hereditary; Hereditary neoplastic syndrome. Identifiers: Orphanet 140162, MedGen C0027672, MeSH D009386, MONDO:0015356.
Familial adenomatous polyposis 1 (FAP1). Also called: FAMILIAL ADENOMATOUS POLYPOSIS 1, ATTENUATED; POLYPOSIS, ADENOMATOUS INTESTINAL. Identifiers: MedGen C2713442, MONDO:0021056, OMIM 175100. Disease mechanism: loss of function.

Submissions (3):

Ambry Genetics
Classification: Likely benign for Hereditary cancer-predisposing syndrome. Last evaluated: 2025-05-24. Review status: criteria provided, single submitter. Criteria: Ambry Variant Classification Scheme 2023. Collection method: clinical testing. Allele origin: germline.

Myriad Genetics, Inc.
Classification: Benign for Familial adenomatous polyposis 1. Last evaluated: 2024-04-03. Review status: criteria provided, single submitter. Criteria: Myriad Autosomal Dominant, Autosomal Recessive and X-Linked Classification Criteria (2023). Collection method: clinical testing. Allele origin: unknown.
Comment: This variant is considered benign. This variant is a silent/synonymous amino acid change and it is not expected to impact splicing.

Labcorp Genetics (formerly Invitae), Labcorp
Classification: Likely benign for Familial adenomatous polyposis 1. Last evaluated: 2022-02-25. Review status: criteria provided, single submitter. Criteria: Invitae Variant Classification Sherloc (09022015). Collection method: clinical testing. Allele origin: germline.